The following is an entry in ClinVar:

ClinVar aggregate classification (germline): Uncertain significance (1 of 4 stars; one submission).

Submission:

Labcorp Genetics (formerly Invitae), Labcorp
Classification: Uncertain significance. Last evaluated: 2023-05-29. Review status: criteria provided, single submitter. Criteria: Invitae Variant Classification Sherloc (09022015). Collection method: clinical testing. Allele origin: germline.
Comment: This variant has not been reported in the literature in individuals affected with SGMS2-related conditions. In summary, the available evidence is currently insufficient to determine the role of this variant in disease. Therefore, it has been classified as a Variant of Uncertain Significance. Advanced modeling of protein sequence and biophysical properties (such as structural, functional, and spatial information, amino acid conservation, physicochemical variation, residue mobility, and thermodynamic stability) performed at Invitae indicates that this missense variant is expected to disrupt SGMS2 protein function. This variant is not present in population databases (gnomAD no frequency). This sequence change replaces serine, which is neutral and polar, with phenylalanine, which is neutral and non-polar, at codon 310 of the SGMS2 protein (p.Ser310Phe).

NM_001375905.1(SGMS2):c.929C>T (p.Ser310Phe)

Genes: CYP2U1-AS1 (CYP2U1 and SGMS2 antisense RNA 1; minus strand), SGMS2 (sphingomyelin synthase 2; plus strand). Cytogenetic location: 4q25.
Variant type: single nucleotide variant.
Coding change: c.929C>T on transcript NM_001375905.1 (MANE Select); coding-DNA position 929, C replaced by T.
Protein change: p.Ser310Phe; replaces serine 310 with phenylalanine.
Molecular consequence: missense variant. On other transcripts: 3 prime UTR variant (1).
Genome position (GRCh38, 1-based): chr4:107,910,384, C>T. VCF-style: chr4-107910384-C-T. GRCh37 (hg19) VCF-style: chr4-108831540-C-T.
Other names: c.929C>T, p.Ser310Phe (NM_001136257.2, NM_001136258.2, NM_001375906.1 and 3 more transcripts); c.*33C>T (NM_001375910.1); c.410C>T, p.Ser137Phe (NM_001375911.1); short protein forms S137F, S310F.
Identifiers: ClinVar variation 2826341 (VCV002826341.3), dbSNP rs2476844205, ClinGen allele CA357828453.